The following is an entry in ClinVar:

ClinVar aggregate classification (germline): Likely pathogenic. Review status: criteria provided, multiple submitters, no conflicts (2 of 4 stars). 2 submissions from 2 submitters: Likely pathogenic (2). Last evaluated 2024-09-20.

Conditions:
Myofibrillar myopathy 5. Also called: Filaminopathy (type); FILAMINOPATHY, AUTOSOMAL DOMINANT. Identifiers: Orphanet 171445, MedGen C1836050, MONDO:0012289, OMIM 609524.
Distal myopathy with posterior leg and anterior hand involvement. Also called: WILLIAMS DISTAL MYOPATHY. Identifiers: Orphanet 63273, MedGen C3279722, MONDO:0013550, OMIM 614065.
Hypertrophic cardiomyopathy 26. Also called: Cardiomyopathy, familial hypertrophic, 26. Identifiers: Orphanet 75249, MedGen C4310749, MONDO:0014883, OMIM 617047.
Primary dilated cardiomyopathy (DCM). Also called: Dilated Cardiomyopathy. Identifiers: Orphanet 217604, MedGen C0007193, MeSH D002311, MONDO:0005021, HP:0001644. Inheritance: Various modes of inheritance.

Submissions (2):

Servicio Canario de Salud, Hospital Universitario Nuestra Sra. de Candelaria
Classification: Likely pathogenic for Primary dilated cardiomyopathy. Last evaluated: 2024-09-20. Review status: criteria provided, single submitter. Criteria: ACMG Guidelines, 2015. Collection method: clinical testing. Allele origin: germline. Inheritance: Autosomal dominant inheritance. Affected: yes. Observed: 1 heterozygote.
Comment: This variant has never been reported FLNC-related patients. This variant was absent from large population studies (gnomAD no frequency). ClinVar contains an entry for this variant (Variation ID: 1479021). In silico analysis (SpliceAI) supports that this variant predicts alteration of the splicing donor site, but this prediction has not been confirmed by functional studies. In summary, the available evidence for c.850+1G>T FLNC variant meets our criteria to be classified as likely pathogenic variant based upon its situation at the canonical splicing site and its low frequency in controls. Therefore, it has been classified as a Variant of Likely Pathogenic.

Labcorp Genetics (formerly Invitae), Labcorp
Classification: Likely pathogenic for Distal myopathy with posterior leg and anterior hand involvement; Myofibrillar myopathy 5; Hypertrophic cardiomyopathy 26. Last evaluated: 2022-04-09. Review status: criteria provided, single submitter. Criteria: Invitae Variant Classification Sherloc (09022015). Collection method: clinical testing. Allele origin: germline.
Comment: This sequence change affects a donor splice site in intron 4 of the FLNC gene. It is expected to disrupt RNA splicing. Variants that disrupt the donor or acceptor splice site typically lead to a loss of protein function (PMID: 16199547), and loss-of-function variants in FLNC are known to be pathogenic (PMID: 27908349). This variant is not present in population databases (gnomAD no frequency). This variant has not been reported in the literature in individuals affected with FLNC-related conditions. Algorithms developed to predict the effect of sequence changes on RNA splicing suggest that this variant may disrupt the consensus splice site. In summary, the currently available evidence indicates that the variant is pathogenic, but additional data are needed to prove that conclusively. Therefore, this variant has been classified as Likely Pathogenic.

Literature cited by the submitters: PubMed 16199547 (cited by Labcorp Genetics (formerly Invitae), Labcorp); PubMed 27908349 (cited by Labcorp Genetics (formerly Invitae), Labcorp).

NM_001458.5(FLNC):c.850+1G>T

Gene: FLNC (filamin C; plus strand). Cytogenetic location: 7q32.1.
Variant type: single nucleotide variant.
Coding change: c.850+1G>T on transcript NM_001458.5 (MANE Select); the canonical splice donor site of the intron after coding-DNA position 850, G replaced by T.
Molecular consequence: splice donor variant.
Genome position (GRCh38, 1-based): chr7:128,837,549, G>T. VCF-style: chr7-128837549-G-T. GRCh37 (hg19) VCF-style: chr7-128477603-G-T.
Other names: c.850+1G>T (NM_001127487.2).
Identifiers: ClinVar variation 1479021 (VCV001479021.8), dbSNP rs1808146842, ClinGen allele CA369222792.